The following is an entry in ClinVar:

NM_005619.5(RTN2):c.1517T>A (p.Val506Glu)

Genes: OPA3-RTN2 (OPA3-RTN2 readthrough; minus strand), RTN2 (reticulon 2; minus strand). Cytogenetic location: 19q13.32.
Variant type: single nucleotide variant.
Coding change: c.1517T>A on transcript NM_005619.5 (MANE Select); coding-DNA position 1517, T replaced by A.
Protein change: p.Val506Glu; replaces valine 506 with glutamic acid.
Molecular consequence: missense variant.
Genome position (GRCh38, 1-based): chr19:45,486,094, A>T on the plus strand (T>A on the coding strand, the complement: RTN2 is on the minus strand). VCF-style: chr19-45486094-A-T. GRCh37 (hg19) VCF-style: chr19-45989352-A-T.
Other names: c.1298T>A, p.Val433Glu (NM_206900.3); c.497T>A, p.Val166Glu (NM_206901.3); short protein forms V166E, V433E, V506E.
Identifiers: ClinVar variation 4805137 (VCV004805137.1).

ClinVar aggregate classification (germline): Uncertain significance (1 of 4 stars; one submission).

Conditions:
Spastic paraplegia. Identifiers: MedGen C0037772, HP:0001258.

Submission:

Labcorp Genetics (formerly Invitae), Labcorp
Classification: Uncertain significance for Spastic paraplegia. Last evaluated: 2025-07-04. Review status: criteria provided, single submitter. Criteria: Invitae Variant Classification Sherloc (09022015). Collection method: clinical testing. Allele origin: germline.
Comment: This sequence change replaces valine, which is neutral and non-polar, with glutamic acid, which is acidic and polar, at codon 506 of the RTN2 protein (p.Val506Glu). This variant is not present in population databases (gnomAD no frequency). This variant has not been reported in the literature in individuals affected with RTN2-related conditions. An algorithm developed to predict the effect of missense changes on protein structure and function (PolyPhen-2) suggests that this variant is likely to be disruptive. In summary, the available evidence is currently insufficient to determine the role of this variant in disease. Therefore, it has been classified as a Variant of Uncertain Significance.